The following is an entry in ClinVar:

NM_001999.4(FBN2):c.4709G>C (p.Gly1570Ala)

Gene: FBN2 (fibrillin 2; minus strand). Cytogenetic location: 5q23.3.
Variant type: single nucleotide variant.
Coding change: c.4709G>C on transcript NM_001999.4 (MANE Select); coding-DNA position 4709, G replaced by C.
Protein change: p.Gly1570Ala; replaces glycine 1570 with alanine.
Molecular consequence: missense variant.
Genome position (GRCh38, 1-based): chr5:128,318,157, C>G on the plus strand (G>C on the coding strand, the complement: FBN2 is on the minus strand). VCF-style: chr5-128318157-C-G. GRCh37 (hg19) VCF-style: chr5-127653849-C-G.
Other names: short protein forms G1570A.
Identifiers: ClinVar variation 2917523 (VCV002917523.3), dbSNP rs1170930303, ClinGen allele CA360749249.

ClinVar aggregate classification (germline): Uncertain significance (1 of 4 stars; one submission).

Conditions:
Congenital contractural arachnodactyly (CCA). Also called: BEALS SYNDROME; Arthrogryposis, distal, type 9; Beals-Hecht syndrome. Identifiers: Orphanet 115, MedGen C0220668, MONDO:0007363, OMIM 121050.

Allele frequency attached by ClinVar (database versions not stated): gnomAD exomes below 0.00001.
gnomAD v4.1: 5 of 1,614,134 alleles (0.00031%); highest among the groups gnomAD compares: Non-Finnish European, 0.00034%; no homozygotes.

Submission:

Labcorp Genetics (formerly Invitae), Labcorp
Classification: Uncertain significance for Congenital contractural arachnodactyly. Last evaluated: 2023-07-16. Review status: criteria provided, single submitter. Criteria: Invitae Variant Classification Sherloc (09022015). Collection method: clinical testing. Allele origin: germline.
Comment: This sequence change replaces glycine, which is neutral and non-polar, with alanine, which is neutral and non-polar, at codon 1570 of the FBN2 protein (p.Gly1570Ala). In summary, the available evidence is currently insufficient to determine the role of this variant in disease. Therefore, it has been classified as a Variant of Uncertain Significance. Advanced modeling of protein sequence and biophysical properties (such as structural, functional, and spatial information, amino acid conservation, physicochemical variation, residue mobility, and thermodynamic stability) has been performed at Invitae for this missense variant, however the output from this modeling did not meet the statistical confidence thresholds required to predict the impact of this variant on FBN2 protein function. This variant has not been reported in the literature in individuals affected with FBN2-related conditions. This variant is present in population databases (no rsID available, gnomAD 0.0009%).